The following is an entry in ClinVar:

NM_001142864.4(PIEZO1):c.2780G>T (p.Gly927Val)

Genes: HSALR1 (HSP90AB1 associated lncRNA 1; plus strand), PIEZO1 (piezo type mechanosensitive ion channel component 1 (Er blood group); minus strand). Cytogenetic location: 16q24.3.
Variant type: single nucleotide variant.
Coding change: c.2780G>T on transcript NM_001142864.4 (MANE Select); coding-DNA position 2780, G replaced by T.
Protein change: p.Gly927Val; replaces glycine 927 with valine.
Molecular consequence: missense variant.
Genome position (GRCh38, 1-based): chr16:88,732,617, C>A on the plus strand (G>T on the coding strand, the complement: PIEZO1 is on the minus strand). VCF-style: chr16-88732617-C-A. GRCh37 (hg19) VCF-style: chr16-88799025-C-A.
Other names: short protein forms G927V.
Identifiers: ClinVar variation 4997750 (VCV004997750.1).

ClinVar aggregate classification (germline): Uncertain significance (1 of 4 stars; one submission).

Conditions:
PIEZO1-related disorder. Also called: PIEZO1-related condition; PIEZO1-Related Disorders.

Submission:

PreventionGenetics, part of Exact Sciences
Classification: Uncertain significance for PIEZO1-related condition. Last evaluated: 2025-06-15. Review status: criteria provided, single submitter. Criteria: ACMG Guidelines, 2015. Collection method: clinical testing. Allele origin: germline.
Comment: The PIEZO1 c.2780G>T variant is predicted to result in the amino acid substitution p.Gly927Val. To our knowledge, this variant has not been reported in the literature or in a large population database (gnomAD), indicating this variant is rare. At this time, the clinical significance of this variant is uncertain due to the absence of conclusive functional and genetic evidence.